The following is an entry in ClinVar:

NM_198253.3(TERT):c.73G>A (p.Ala25Thr)

Genes: TERT (telomerase reverse transcriptase; minus strand), LOC110806263 (TERT 5' regulatory region; plus strand). Cytogenetic location: 5p15.33.
Variant type: single nucleotide variant.
Coding change: c.73G>A on transcript NM_198253.3 (MANE Select); coding-DNA position 73, G replaced by A.
Protein change: p.Ala25Thr; replaces alanine 25 with threonine.
Molecular consequence: missense variant. On other transcripts: non-coding transcript variant (2).
Genome position (GRCh38, 1-based): chr5:1,294,917, C>T on the plus strand (G>A on the coding strand, the complement: TERT is on the minus strand). VCF-style: chr5-1294917-C-T. GRCh37 (hg19) VCF-style: chr5-1295032-C-T.
Other names: c.73G>A, p.Ala25Thr (NM_001193376.3); short protein forms A25T.
Identifiers: ClinVar variation 4074695 (VCV004074695.1).

ClinVar aggregate classification (germline): Uncertain significance (1 of 4 stars; one submission).

Submission:

GeneDx
Classification: Uncertain significance. Last evaluated: 2025-02-09. Review status: criteria provided, single submitter. Criteria: GeneDx Variant Classification Process June 2021. Collection method: clinical testing. Allele origin: germline. Affected: yes.
Comment: Not observed at significant frequency in large population cohorts (gnomAD); In silico analysis indicates that this missense variant does not alter protein structure/function; Has not been previously published as pathogenic or benign to our knowledge